The following is an entry in ClinVar:

NM_182961.4(SYNE1):c.20401C>G (p.Gln6801Glu)

Gene: SYNE1 (spectrin repeat containing nuclear envelope protein 1; minus strand). Cytogenetic location: 6q25.2.
Variant type: single nucleotide variant.
Coding change: c.20401C>G on transcript NM_182961.4 (MANE Select); coding-DNA position 20401, C replaced by G.
Protein change: p.Gln6801Glu; replaces glutamine 6801 with glutamic acid.
Molecular consequence: missense variant.
Genome position (GRCh38, 1-based): chr6:152,234,796, G>C on the plus strand (C>G on the coding strand, the complement: SYNE1 is on the minus strand). VCF-style: chr6-152234796-G-C. GRCh37 (hg19) VCF-style: chr6-152555931-G-C.
Other names: c.20188C>G, p.Gln6730Glu (NM_033071.5); short protein forms Q6730E, Q6801E.
Identifiers: ClinVar variation 2109495 (VCV002109495.4), dbSNP rs2551688212, ClinGen allele CA366120375.

ClinVar aggregate classification (germline): Uncertain significance (1 of 4 stars; one submission).

Conditions:
Emery-Dreifuss muscular dystrophy 4, autosomal dominant (EDMD4). Also called: EMERY-DREIFUSS MUSCULAR DYSTROPHY 4 WITH VARIABLE FEATURES. Identifiers: Orphanet 261, MedGen C2751807, MONDO:0013071, OMIM 612998.
Autosomal recessive ataxia, Beauce type. Also called: SYNE1 Deficiency; Spinocerebellar ataxia, autosomal recessive 8; ATAXIA, RECESSIVE, OF BEAUCE; SYNE1-Related Autosomal Recessive Cerebellar Ataxia. Identifiers: Orphanet 88644, MedGen C1853116, MONDO:0012549, OMIM 610743.

Allele frequency attached by ClinVar (database versions not stated): gnomAD exomes below 0.00001.
gnomAD v4.1: 1 of 1,614,068 alleles (0.000062%); highest among the groups gnomAD compares: Non-Finnish European, 0.000085%; no homozygotes.

Submission:

Labcorp Genetics (formerly Invitae), Labcorp
Classification: Uncertain significance for Emery-Dreifuss muscular dystrophy 4, autosomal dominant; Autosomal recessive ataxia, Beauce type. Last evaluated: 2022-03-23. Review status: criteria provided, single submitter. Criteria: Invitae Variant Classification Sherloc (09022015). Collection method: clinical testing. Allele origin: germline.
Comment: In summary, the available evidence is currently insufficient to determine the role of this variant in disease. Therefore, it has been classified as a Variant of Uncertain Significance. Algorithms developed to predict the effect of missense changes on protein structure and function are either unavailable or do not agree on the potential impact of this missense change (SIFT: "Deleterious"; PolyPhen-2: "Benign"; Align-GVGD: "Class C25"). This variant has not been reported in the literature in individuals affected with SYNE1-related conditions. This variant is not present in population databases (gnomAD no frequency). This sequence change replaces glutamine, which is neutral and polar, with glutamic acid, which is acidic and polar, at codon 6730 of the SYNE1 protein (p.Gln6730Glu).